The following is an entry in ClinVar:

ClinVar aggregate classification (germline): Conflicting classifications of pathogenicity. Review status: criteria provided, conflicting classifications (1 of 4 stars). 3 submissions from 3 submitters: Likely pathogenic (1); Uncertain significance (2). Last evaluated 2025-05-22.

Conditions:
Cardiovascular phenotype. Identifiers: MedGen CN230736.
Cardiomyopathy (CMYO). Also called: Cardiomyopathies. Identifiers: Orphanet 167848, MedGen C0878544, MONDO:0004994, HP:0001638. Inheritance: Various modes of inheritance.
Dilated cardiomyopathy 1G (CMD1G). Identifiers: Orphanet 154, MedGen C1858763, MONDO:0011400, OMIM 604145.
Autosomal recessive limb-girdle muscular dystrophy type 2J (LGMDR10). Also called: Limb-girdle muscular dystrophy, type 2J; MUSCULAR DYSTROPHY, LIMB-GIRDLE, AUTOSOMAL RECESSIVE 10. Identifiers: Orphanet 140922, MedGen C1837342, MONDO:0012127, OMIM 608807.

Submissions (3):

Ambry Genetics
Classification: Uncertain significance for Cardiovascular phenotype. Last evaluated: 2025-05-22. Review status: criteria provided, single submitter. Criteria: Ambry Variant Classification Scheme 2023. Collection method: clinical testing. Allele origin: germline.
Comment: The c.62309-2_62314delAGAGGCAC variant results from a deletion of 8 nucleotides between positions c.62309-2 and c.62314 and involves the canonical splice acceptor site before coding exon 162 of the TTN gene. This exon is located in the A-band region of the N2-B isoform of the titin protein and is constitutively expressed in TTN transcripts (percent spliced in or PSI 100%). This variant was reported in individual(s) with features consistent with dilated cardiomyopathy (Ambry internal data). The canonical splice acceptor site is highly conserved in available vertebrate species. In silico splice site analysis predicts that this alteration will weaken the native splice acceptor site and result in the creation or strengthening of a novel splice acceptor site. This variant disrupts the canonical splice site and is expected to cause aberrant splicing. However, although direct evidence is unavailable, this alteration is predicted to result in an in-frame transcript that is not expected to trigger nonsense-mediated mRNA decay. The exact functional effect of the predicted splice impact is unknown. Based on the available evidence, the clinical significance of this variant remains unclear.

CHEO Genetics Diagnostic Laboratory, Children's Hospital of Eastern Ontario
Classification: Uncertain significance for Cardiomyopathy. Last evaluated: 2023-05-16. Review status: criteria provided, single submitter. Criteria: ACMG Guidelines, 2015. Collection method: clinical testing. Allele origin: germline.

Labcorp Genetics (formerly Invitae), Labcorp
Classification: Likely pathogenic for Dilated cardiomyopathy 1G; Autosomal recessive limb-girdle muscular dystrophy type 2J. Last evaluated: 2022-11-12. Review status: criteria provided, single submitter. Criteria: Invitae Variant Classification Sherloc (09022015). Collection method: clinical testing. Allele origin: germline.
Comment: This sequence change affects a splice site in intron 335 of the TTN gene. It is expected to disrupt RNA splicing and likely results in a truncated or disrupted TTN protein. This variant is not present in population databases (gnomAD no frequency). This variant has not been reported in the literature in individuals affected with TTN-related conditions. Algorithms developed to predict the effect of sequence changes on RNA splicing suggest that this variant may disrupt the consensus splice site. This variant is located in the A band of TTN (PMID: 25589632). Truncating variants in this region are significantly overrepresented in patients affected with dilated cardiomyopathy (PMID: 25589632). Truncating variants in this region have also been reported in individuals affected with autosomal recessive centronuclear myopathy (PMID: 23975875). In summary, the currently available evidence indicates that the variant is pathogenic, but additional data are needed to prove that conclusively. Therefore, this variant has been classified as Likely Pathogenic.

Literature cited by the submitters: PubMed 25589632 (cited by Labcorp Genetics (formerly Invitae), Labcorp); PubMed 23975875 (cited by Labcorp Genetics (formerly Invitae), Labcorp).

NM_001267550.2(TTN):c.89504-2_89509del

Genes: TTN-AS1 (TTN antisense RNA 1; plus strand), TTN (titin; minus strand). Cytogenetic location: 2q31.2.
Variant type: Deletion.
Coding change: c.89504-2_89509del on transcript NM_001267550.2 (MANE Select); the canonical splice acceptor site of the intron before coding-DNA position 89504 through coding-DNA position 89509, 8 bases deleted (AGAGGCAC; older notation c.89504-2_89509delAGAGGCAC).
Molecular consequence: splice acceptor variant.
Genome position (GRCh38, 1-based): chr2:178,553,391-178,553,398, GTGCCTCT deleted on the plus strand (AGAGGCAC on the coding strand, the reverse complement: TTN is on the minus strand); deleting any 8 consecutive bases within chr2:178,553,391-178,553,400 gives the same sequence; the c. name uses the placement nearest the transcript's 3' end. VCF-style (leftmost placement, unchanged base first): chr2-178553390-GGTGCCTCT-G. GRCh37 (hg19) VCF-style: chr2-179418117-GGTGCCTCT-G.
Other names: c.62309-2_62314delAGAGGCAC (NM_003319.4); c.62309-2_62314del (NM_003319.4); c.62885-2_62890del (NM_133437.4); c.62684-2_62689del (NM_133432.3); c.81800-2_81805del (NM_133378.4); c.84581-2_84586del (NM_001256850.1).
Identifiers: ClinVar variation 2080597 (VCV002080597.6), dbSNP rs2469323427, ClinGen allele CA2580064632.